The following is an entry in ClinVar:

ClinVar aggregate classification (germline): Benign/Likely benign. Review status: criteria provided, multiple submitters, no conflicts (2 of 4 stars). 8 submissions from 8 submitters: Benign (5); Likely benign (1). 2 of the submissions do not count toward it. Last evaluated 2025-08-18.

Conditions:
alpha Thalassemia. Also called: Alpha thalassemia spectrum. Identifiers: Orphanet 846, MedGen C0002312, MONDO:0011399, OMIM 604131.

Allele frequency attached by ClinVar (database versions not stated): 1000 Genomes Project 30x 0.04263; ExAC 0.07179; gnomAD 0.04854 and 0.04936; ESP Exome Variant Server 0.03836; gnomAD exomes 0.05192.

Submissions (8):

Genomic Medicine Center of Excellence, King Faisal Specialist Hospital and Research Centre
Classification: Likely benign. Last evaluated: 2025-08-18. Review status: criteria provided, single submitter. Criteria: ACMG Guidelines, 2015. Collection method: clinical testing. Allele origin: germline.

Center for Genomic Medicine, Rigshospitalet, Copenhagen University Hospital
Classification: Benign. Last evaluated: 2025-03-04. Review status: criteria provided, single submitter. Criteria: ACMG Guidelines, 2015. Collection method: clinical testing. Allele origin: germline.

ARUP Laboratories, Molecular Genetics and Genomics, ARUP Laboratories
Classification: Benign. Last evaluated: 2020-02-18. Review status: criteria provided, single submitter. Criteria: ARUP Molecular Germline Variant Investigation Process. Collection method: clinical testing. Allele origin: germline.

GeneDx
Classification: Benign. Last evaluated: 2018-07-09. Review status: criteria provided, single submitter. Criteria: GeneDx Variant Classification Process June 2021. Collection method: clinical testing. Allele origin: germline. Affected: yes.
Comment: This variant is associated with the following publications: (PMID: 31478238)

Quest Diagnostics Nichols Institute San Juan Capistrano
Classification: Benign. Last evaluated: 2016-12-16. Review status: criteria provided, single submitter. Criteria: Quest Diagnostics criteria. Collection method: clinical testing. Allele origin: germline.

Breakthrough Genomics
Classification: Benign. Review status: criteria provided, single submitter. Criteria: ACMG Guidelines, 2015. Collection method: not provided. Allele origin: germline. Inheritance: Autosomal dominant inheritance. Affected: yes.

MOLECULAR BIOLOGY AND HUMAN GENETICS DIVISION, THE UNIVERSITY OF BURDWAN
Classification: Benign for alpha Thalassemia. Last evaluated: 2025-04-21. Review status: no assertion criteria provided. Collection method: research. Allele origin: germline. Affected: no. Observed: 1 variant allele. Not counted in ClinVar's aggregate classification.
Comment: No phenotypic effect was identified in heterozygous condition

Natera, Inc.
Classification: Benign for Alpha thalassemia. Last evaluated: 2020-09-16. Review status: no assertion criteria provided. Collection method: clinical testing. Allele origin: germline. Not counted in ClinVar's aggregate classification.

Literature cited by the submitters: PubMed 24870139 (cited by Quest Diagnostics Nichols Institute San Juan Capistrano); PubMed 32924661 (cited by MOLECULAR BIOLOGY AND HUMAN GENETICS DIVISION, THE UNIVERSITY OF BURDWAN).

NM_000558.5(HBA1):c.-24C>G

Genes: HBA1 (hemoglobin subunit alpha 1; plus strand), LOC106804613 (hemoglobin subunit alpha 1 recombination region; plus strand). Cytogenetic location: 16p13.3.
Variant type: single nucleotide variant.
Coding change: c.-24C>G on transcript NM_000558.5 (MANE Select); 24 bases upstream of the start codon, C replaced by G.
Molecular consequence: 5 prime UTR variant.
Genome position (GRCh38, 1-based): chr16:176,693, C>G. VCF-style: chr16-176693-C-G. GRCh37 (hg19) VCF-style: chr16-226692-C-G.
Identifiers: ClinVar variation 439096 (VCV000439096.18), dbSNP rs374054030, ClinGen allele CA7770217.